The following is an entry in ClinVar:

NM_021975.4(RELA):c.817C>T (p.Arg273Trp)

Gene: RELA (RELA proto-oncogene, NF-kB subunit; minus strand). Cytogenetic location: 11q13.1.
Variant type: single nucleotide variant.
Coding change: c.817C>T on transcript NM_021975.4 (MANE Select); coding-DNA position 817, C replaced by T.
Protein change: p.Arg273Trp; replaces arginine 273 with tryptophan.
Molecular consequence: missense variant.
Genome position (GRCh38, 1-based): chr11:65,658,347, G>A on the plus strand (C>T on the coding strand, the complement: RELA is on the minus strand). VCF-style: chr11-65658347-G-A. GRCh37 (hg19) VCF-style: chr11-65425818-G-A.
Other names: c.808C>T, p.Arg270Trp (NM_001145138.2); c.817C>T, p.Arg273Trp (NM_001243984.2, NM_001243985.2); c.850C>T, p.Arg284Trp (NM_001404657.1); c.790C>T, p.Arg264Trp (NM_001404658.1); c.436C>T, p.Arg146Trp (NM_001404661.1); c.724C>T, p.Arg242Trp (NM_001404662.1, NM_001404663.1); c.817C>T (NM_021975.3); short protein forms R284W, R242W, R264W, R146W, R273W, R270W.
Identifiers: ClinVar variation 1973790 (VCV001973790.6), dbSNP rs1417895912, ClinGen allele CA381390754.

ClinVar aggregate classification (germline): Uncertain significance. Review status: criteria provided, multiple submitters, no conflicts (2 of 4 stars). 2 submissions from 2 submitters: Uncertain significance (2). Last evaluated 2026-04-15.

Allele frequency attached by ClinVar (database versions not stated): gnomAD exomes 0.00001.
gnomAD v4.1: 7 of 1,613,182 alleles (0.00043%); highest among the groups gnomAD compares: South Asian, 0.0011%; no homozygotes.

Submissions (2):

GeneDx
Classification: Uncertain significance. Last evaluated: 2026-04-15. Review status: criteria provided, single submitter. Criteria: GeneDx Variant Classification Process June 2021. Collection method: clinical testing. Allele origin: germline.
Comment: Not observed at significant frequency in large population cohorts (gnomAD); In silico analysis supports that this missense variant has a deleterious effect on protein structure/function; Has not been previously published as pathogenic or benign to our knowledge

Labcorp Genetics (formerly Invitae), Labcorp
Classification: Uncertain significance. Last evaluated: 2024-02-24. Review status: criteria provided, single submitter. Criteria: Invitae Variant Classification Sherloc (09022015). Collection method: clinical testing. Allele origin: germline.
Comment: This sequence change replaces arginine, which is basic and polar, with tryptophan, which is neutral and slightly polar, at codon 273 of the RELA protein (p.Arg273Trp). This variant is not present in population databases (gnomAD no frequency). This variant has not been reported in the literature in individuals affected with RELA-related conditions. ClinVar contains an entry for this variant (Variation ID: 1973790). An algorithm developed to predict the effect of missense changes on protein structure and function (PolyPhen-2) suggests that this variant is likely to be disruptive. In summary, the available evidence is currently insufficient to determine the role of this variant in disease. Therefore, it has been classified as a Variant of Uncertain Significance.